The following is an entry in ClinVar:

ClinVar aggregate classification (germline): Uncertain significance (1 of 4 stars; one submission).

Allele frequency attached by ClinVar (database versions not stated): ExAC 0.00002; gnomAD exomes 0.00003 and 0.00004; gnomAD 0.00006.
gnomAD v4.1: 59 of 1,611,078 alleles (0.0037%); highest among the groups gnomAD compares: Non-Finnish European, 0.0048%; no homozygotes.

Submission:

Labcorp Genetics (formerly Invitae), Labcorp
Classification: Uncertain significance. Last evaluated: 2023-12-18. Review status: criteria provided, single submitter. Criteria: Invitae Variant Classification Sherloc (09022015). Collection method: clinical testing. Allele origin: germline.
Comment: This sequence change falls in intron 31 of the COL9A1 gene. It does not directly change the encoded amino acid sequence of the COL9A1 protein. This variant is present in population databases (rs750454914, gnomAD 0.01%). This variant has not been reported in the literature in individuals affected with COL9A1-related conditions. ClinVar contains an entry for this variant (Variation ID: 1055320). Algorithms developed to predict the effect of sequence changes on RNA splicing suggest that this variant may disrupt the consensus splice site. In summary, the available evidence is currently insufficient to determine the role of this variant in disease. Therefore, it has been classified as a Variant of Uncertain Significance.

NM_001851.6(COL9A1):c.2035-5T>A

Gene: COL9A1 (collagen type IX alpha 1 chain; minus strand). Cytogenetic location: 6q13.
Variant type: single nucleotide variant.
Coding change: c.2035-5T>A on transcript NM_001851.6 (MANE Select); 5 bases into the intron before coding-DNA position 2035, T replaced by A.
Molecular consequence: intron variant.
Genome position (GRCh38, 1-based): chr6:70,240,738, A>T on the plus strand (T>A on the coding strand, the complement: COL9A1 is on the minus strand). VCF-style: chr6-70240738-A-T. GRCh37 (hg19) VCF-style: chr6-70950441-A-T.
Other names: c.1306-5T>A (NM_001377290.1, NM_078485.4); c.1336-5T>A (NM_001377289.1).
Identifiers: ClinVar variation 1055320 (VCV001055320.7), dbSNP rs750454914, ClinGen allele CA3881896.